The following is an entry in ClinVar:

NM_005592.4(MUSK):c.1148G>T (p.Ser383Ile)

Gene: MUSK (muscle associated receptor tyrosine kinase; plus strand). Cytogenetic location: 9q31.3.
Variant type: single nucleotide variant.
Coding change: c.1148G>T on transcript NM_005592.4 (MANE Select); coding-DNA position 1148, G replaced by T.
Protein change: p.Ser383Ile; replaces serine 383 with isoleucine.
Molecular consequence: missense variant. On other transcripts: 5 prime UTR variant (1), intron variant (2).
Genome position (GRCh38, 1-based): chr9:110,768,047, G>T. VCF-style: chr9-110768047-G-T. GRCh37 (hg19) VCF-style: chr9-113530327-G-T.
Other names: c.-89G>T (NM_001369398.1); c.950+5839G>T (NM_001166280.2); c.920+5839G>T (NM_001166281.2); short protein forms S383I.
Identifiers: ClinVar variation 542744 (VCV000542744.8), dbSNP rs571312240, ClinGen allele CA5184279.
Genomic context (GRCh38, chr9:110,768,047, plus strand): 5'-GCCCAGTCTGCCGGCCAGCTGCTGAGGCTTTGTTGTGTAACCACATCTTCCAGGAGTGCA[G>T]TCCTGGAGTAGTGCCTACTCCTATTCCCATTTGCAGGTAAAATCTCAAAAATAAGTCAAA-3'
Protein context (NP_005583.1, residues 373-393): LLCNHIFQEC[Ser383Ile]PGVVPTPIPI

ClinVar aggregate classification (germline): Uncertain significance. Review status: criteria provided, multiple submitters, no conflicts (2 of 4 stars). 2 submissions from 2 submitters: Uncertain significance (2). Last evaluated 2024-10-13.

Conditions:
Congenital myasthenic syndrome 9. Also called: Myasthenic syndrome, congenital, 9, associated with acetylcholine receptor deficiency. Identifiers: Orphanet 590, MedGen C4225368, MONDO:0014587, OMIM 616325.
Fetal akinesia deformation sequence 1 (FADS1). Also called: Pena-Shokeir syndrome type I; Fetal akinesia sequence. Identifiers: Orphanet 994, MedGen C1276035, MONDO:0100101, OMIM 208150, HP:0001989.
Inborn genetic diseases. Identifiers: MedGen C0950123, MeSH D030342.

Allele frequency attached by ClinVar (database versions not stated): gnomAD exomes below 0.00001 and 0.00002; ExAC 0.00001; gnomAD 0.00001; 1000 Genomes Project 30x 0.00016; 1000 Genomes Project 0.00020.
gnomAD v4.1: 6 of 1,613,624 alleles (0.00037%); highest among the groups gnomAD compares: East Asian, 0.013%; no homozygotes.

Submissions (2):

Labcorp Genetics (formerly Invitae), Labcorp
Classification: Uncertain significance for Congenital myasthenic syndrome 9; Fetal akinesia deformation sequence 1. Last evaluated: 2024-10-13. Review status: criteria provided, single submitter. Criteria: Invitae Variant Classification Sherloc (09022015). Collection method: clinical testing. Allele origin: germline.
Comment: This sequence change replaces serine, which is neutral and polar, with isoleucine, which is neutral and non-polar, at codon 383 of the MUSK protein (p.Ser383Ile). This variant is present in population databases (rs571312240, gnomAD 0.03%). This variant has not been reported in the literature in individuals affected with MUSK-related conditions. ClinVar contains an entry for this variant (Variation ID: 542744). Invitae Evidence Modeling of protein sequence and biophysical properties (such as structural, functional, and spatial information, amino acid conservation, physicochemical variation, residue mobility, and thermodynamic stability) indicates that this missense variant is not expected to disrupt MUSK protein function with a negative predictive value of 80%. In summary, the available evidence is currently insufficient to determine the role of this variant in disease. Therefore, it has been classified as a Variant of Uncertain Significance.

Ambry Genetics
Classification: Uncertain significance for Inborn genetic diseases. Last evaluated: 2024-10-04. Review status: criteria provided, single submitter. Criteria: Ambry Variant Classification Scheme 2023. Collection method: clinical testing. Allele origin: germline.